The following is an entry in ClinVar:

ClinVar aggregate classification (germline): Likely benign (0 of 4 stars; one submission).

Conditions:
PLXNA3-related disorder. Also called: PLXNA3-related condition.

Allele frequency attached by ClinVar (database versions not stated): ExAC 0.00006; TOPMed 0.00011; gnomAD 0.00013; ESP Exome Variant Server 0.00019; 1000 Genomes Project 30x 0.00042; 1000 Genomes Project 0.00053.
gnomAD v4.1: 111 of 1,202,315 alleles (0.0092%); highest among the groups gnomAD compares: African/African-American, 0.039%; no homozygotes.

Submission:

PreventionGenetics, part of Exact Sciences
Classification: Likely benign for PLXNA3-related condition. Last evaluated: 2021-10-04. Review status: no assertion criteria provided. Collection method: clinical testing. Allele origin: germline.
Comment: This variant is classified as likely benign based on ACMG/AMP sequence variant interpretation guidelines (Richards et al. 2015 PMID: 25741868, with internal and published modifications).

NM_017514.5(PLXNA3):c.3975C>T (p.Asn1325=)

Gene: PLXNA3 (plexin A3; plus strand). Cytogenetic location: Xq28.
Variant type: single nucleotide variant.
Coding change: c.3975C>T on transcript NM_017514.5 (MANE Select); coding-DNA position 3975, C replaced by T.
Protein change: p.Asn1325=; no amino-acid change (asparagine 1325 retained).
Molecular consequence: synonymous variant.
Genome position (GRCh38, 1-based): chrX:154,468,314, C>T. VCF-style: chrX-154468314-C-T. GRCh37 (hg19) VCF-style: chrX-153696657-C-T.
Identifiers: ClinVar variation 3035946 (VCV003035946.2), dbSNP rs139166383, ClinGen allele CA10564776.